The following is an entry in ClinVar:

NM_006949.4(STXBP2):c.284del (p.Pro95fs)

Gene: STXBP2 (syntaxin binding protein 2; plus strand). Cytogenetic location: 19p13.2.
Variant type: Deletion.
Coding change: c.284del on transcript NM_006949.4 (MANE Select); coding-DNA position 284, one base deleted (C; older notation c.284delC).
Protein change: p.Pro95fs; shifts the reading frame from proline 95.
Molecular consequence: frameshift variant. On other transcripts: non-coding transcript variant (1).
Genome position (GRCh38, 1-based): chr19:7,640,768, C deleted; the last of 4 consecutive C bases (chr19:7,640,765-7,640,768); deleting any one gives the same sequence. VCF-style (leftmost placement, unchanged base first): chr19-7640764-AC-A. GRCh37 (hg19) VCF-style: chr19-7705650-AC-A.
Other names: c.275del, p.Pro92fs (NM_001127396.3); c.317del, p.Pro106fs (NM_001272034.2); short protein forms P92fs, P95fs, P106fs.
Identifiers: ClinVar variation 1458975 (VCV001458975.6), dbSNP rs1158166238, ClinGen allele CA631701931.
Genomic context (GRCh38, chr19:7,640,764, plus strand): 5'-GCCCAGAGAGTGATCCACCTTCCCCAGTCGGTTCAGGCCCTGATCAAAGACTTCCAGGGG[AC>A]CCCGACTTTCACCTACAAAGCGGCCCATATCTTCTTCACCGACAGTGAGTGAGGAGAGCC-3'

ClinVar aggregate classification (germline): Pathogenic (1 of 4 stars; one submission).

Conditions:
Familial hemophagocytic lymphohistiocytosis 5. Also called: STXBP2-Related Familial Hemophagocytic Lymphohistiocytosis (STXBP2-fHLH). Identifiers: Orphanet 540, MedGen C2751293, MONDO:0013135, OMIM 613101.

Submission:

Labcorp Genetics (formerly Invitae), Labcorp
Classification: Pathogenic for Familial hemophagocytic lymphohistiocytosis 5. Last evaluated: 2023-11-03. Review status: criteria provided, single submitter. Criteria: Invitae Variant Classification Sherloc (09022015). Collection method: clinical testing. Allele origin: germline.
Comment: This sequence change creates a premature translational stop signal (p.Pro95Argfs*24) in the STXBP2 gene. It is expected to result in an absent or disrupted protein product. Loss-of-function variants in STXBP2 are known to be pathogenic (PMID: 19804848, 22451424). This variant is present in population databases (no rsID available, gnomAD 0.003%). This variant has not been reported in the literature in individuals affected with STXBP2-related conditions. ClinVar contains an entry for this variant (Variation ID: 1458975). For these reasons, this variant has been classified as Pathogenic.

Literature cited by the submitters: PubMed 19804848; PubMed 22451424.